The following is an entry in ClinVar:

NM_002838.5(PTPRC):c.3813C>A (p.Leu1271=)

Gene: PTPRC (protein tyrosine phosphatase receptor type C; plus strand). Cytogenetic location: 1q32.1.
Variant type: single nucleotide variant.
Coding change: c.3813C>A on transcript NM_002838.5 (MANE Select); coding-DNA position 3813, C replaced by A.
Protein change: p.Leu1271=; no amino-acid change (leucine 1271 retained).
Molecular consequence: synonymous variant.
Genome position (GRCh38, 1-based): chr1:198,756,073, C>A. VCF-style: chr1-198756073-C-A. GRCh37 (hg19) VCF-style: chr1-198725202-C-A.
Other names: c.3330C>A, p.Leu1110= (NM_080921.4).
Identifiers: ClinVar variation 391096 (VCV000391096.14), dbSNP rs142652490, ClinGen allele CA1315563.

ClinVar aggregate classification (germline): Benign/Likely benign. Review status: criteria provided, multiple submitters, no conflicts (2 of 4 stars). 4 submissions from 4 submitters: Benign (1); Likely benign (3). Last evaluated 2026-01-26.

Conditions:
Immunodeficiency 104. Also called: Severe Combined Immune Deficiency, Autosomal Recessive, TCell -Negative, B Cell-Positive, NK Cell-Positive, IL7R-Related; IMMUNODEFICIENCY 104, SEVERE COMBINED; Severe combined immunodeficiency, autosomal recessive, T cell-negative, B cell-positive, NK cell-positive; SCID, AUTOSOMAL RECESSIVE, T CELL-NEGATIVE, B CELL-POSITIVE, NK CELL-POSITIVE. Identifiers: MedGen C5676890, MONDO:0012163, OMIM 608971.

Allele frequency attached by ClinVar (database versions not stated): gnomAD 0.00023 and 0.00025; 1000 Genomes Project 30x 0.00031; gnomAD exomes 0.00033 and 0.00074; ESP Exome Variant Server 0.00038; 1000 Genomes Project 0.00040; TOPMed 0.00040; ExAC 0.00079.
gnomAD v4.1: 543 of 1,613,474 alleles (0.034%); highest among the groups gnomAD compares: Middle Eastern, 0.76%; 2 homozygotes.

Submissions (4):

Labcorp Genetics (formerly Invitae), Labcorp
Classification: Benign for Immunodeficiency 104. Last evaluated: 2026-01-26. Review status: criteria provided, single submitter. Criteria: Invitae Variant Classification Sherloc (09022015). Collection method: clinical testing. Allele origin: germline.

Blueprint Genetics
Classification: Likely benign. Last evaluated: 2024-07-29. Review status: criteria provided, single submitter. Criteria: ACMG Guidelines, 2015. Collection method: clinical testing. Allele origin: germline.

GeneDx
Classification: Likely benign. Last evaluated: 2016-11-23. Review status: criteria provided, single submitter. Criteria: GeneDx Variant Classification (06012015). Collection method: clinical testing. Allele origin: germline. Affected: yes.
Comment: This variant is considered likely benign or benign based on one or more of the following criteria: it is a conservative change, it occurs at a poorly conserved position in the protein, it is predicted to be benign by multiple in silico algorithms, and/or has population frequency not consistent with disease.

Breakthrough Genomics
Classification: Likely benign. Review status: criteria provided, single submitter. Criteria: ACMG Guidelines, 2015. Collection method: not provided. Allele origin: germline. Inheritance: Autosomal recessive inheritance. Affected: yes.